The following is an entry in ClinVar:

ClinVar aggregate classification (germline): Pathogenic. Review status: criteria provided, multiple submitters, no conflicts (2 of 4 stars). 7 submissions from 7 submitters: Pathogenic (6). 1 of the submissions does not count toward it. Last evaluated 2026-03-04.

Conditions:
Lamellar ichthyosis. Identifiers: Orphanet 313, MedGen C5848247, MONDO:0017778.
Autosomal recessive congenital ichthyosis 2 (ARCI2). Identifiers: Orphanet 281122, Orphanet 79394, MedGen C3888093, MONDO:0009439, OMIM 242100.
ALOX12B-related disorder. Also called: ALOX12B-related condition.

Allele frequency attached by ClinVar (database versions not stated): gnomAD exomes 0.00001 and 0.00002; ExAC 0.00004; gnomAD 0.00004 and 0.00006; TOPMed 0.00011; 1000 Genomes Project 30x 0.00047.

Submissions (7):

PreventionGenetics, part of Exact Sciences
Classification: Pathogenic for ALOX12B-related condition. Last evaluated: 2026-03-04. Review status: criteria provided, single submitter. Criteria: ACMG Guidelines, 2015. Collection method: clinical testing. Allele origin: germline.
Comment: The ALOX12B c.1272dupC variant is predicted to result in a frameshift and premature protein termination (p.Lys425Glnfs*24). This variant has been reported in the homozygous or compound heterozygous state in individuals with autosomal recessive congenital ichthyosis (Eckl et al. 2009. PubMed ID: 19131948; Osório et al. 2013. PubMed ID: 23083690; Table S2, Simpson et al. 2020. PubMed ID: 31168818; Table S1, Hotz et al. 2021. PubMed ID: 33435499). This variant is reported in 0.0029% of alleles in individuals of Latino descent in gnomAD. Frameshift variants in ALOX12B are expected to be pathogenic. This variant is interpreted as pathogenic.

Labcorp Genetics (formerly Invitae), Labcorp
Classification: Pathogenic. Last evaluated: 2025-03-24. Review status: criteria provided, single submitter. Criteria: Invitae Variant Classification Sherloc (09022015). Collection method: clinical testing. Allele origin: germline.
Comment: This sequence change creates a premature translational stop signal (p.Lys425Glnfs*24) in the ALOX12B gene. It is expected to result in an absent or disrupted protein product. Loss-of-function variants in ALOX12B are known to be pathogenic (PMID: 16116617, 23621129, 31046801). This variant is present in population databases (rs763328506, gnomAD 0.006%). This premature translational stop signal has been observed in individual(s) with congenital ichthyosis (PMID: 19131948, 23083690, 31168818). ClinVar contains an entry for this variant (Variation ID: 982978). For these reasons, this variant has been classified as Pathogenic.

Fulgent Genetics
Classification: Pathogenic for Autosomal recessive congenital ichthyosis 2. Last evaluated: 2024-03-21. Review status: criteria provided, single submitter. Criteria: ACMG Guidelines, 2015. Collection method: clinical testing. Allele origin: germline.

Women's Health and Genetics/Laboratory Corporation of America, LabCorp
Classification: Pathogenic for Lamellar ichthyosis. Last evaluated: 2023-03-09. Review status: criteria provided, single submitter. Criteria: LabCorp Variant Classification Summary - May 2015. Collection method: clinical testing. Allele origin: germline.
Comment: Variant summary: ALOX12B c.1272dupC (p.Lys425GlnfsX24) results in a premature termination codon, predicted to cause a truncation of the encoded protein or absence of the protein due to nonsense mediated decay, which are commonly known mechanisms for disease. Truncations downstream of this position have been classified as pathogenic in ClinVar and are reported in association with autosomal recessive ichthyosis in HGMD. The variant allele was found at a frequency of 1.6e-05 in 248932 control chromosomes. The available data on variant occurrences in the general population are insufficient to allow any conclusion about variant significance. c.1272dupC has been reported in the literature in multiple individuals affected with Lamellar Ichthyosis (e.g., Eckl_2009, Osorio_2013, Hotz_2021). These data indicate that the variant is very likely to be associated with disease. Four ClinVar submitters (evaluation after 2014) have cited the variant, and all laboratories classified the variant as pathogenic. Based on the evidence outlined above, the variant was classified as pathogenic.

GeneDx
Classification: Pathogenic. Last evaluated: 2022-02-17. Review status: criteria provided, single submitter. Criteria: GeneDx Variant Classification Process June 2021. Collection method: clinical testing. Allele origin: germline. Affected: yes.
Comment: Frameshift variant predicted to result in protein truncation or nonsense mediated decay in a gene for which loss-of-function is a known mechanism of disease; Not observed at significant frequency in large population cohorts (gnomAD); This variant is associated with the following publications: (PMID: 31168818, 19131948, 23083690, 33435499)

Institute of Human Genetics, University of Leipzig Medical Center
Classification: Pathogenic for Autosomal recessive congenital ichthyosis 2. Last evaluated: 2020-09-04. Review status: criteria provided, single submitter. Criteria: ACMG Guidelines, 2015. Collection method: clinical testing. Allele origin: unknown. Affected: yes.
Comment: This variant was identified as compound heterozygous with NM_001139.2:c.1144A>G.

Institute for Human Genetics, University Medical Center Freiburg
Classification: Pathogenic for Autosomal recessive congenital ichthyosis 2. Last evaluated: 2021-01-07. Review status: no assertion criteria provided. Collection method: clinical testing. Allele origin: unknown. Affected: yes. Not counted in ClinVar's aggregate classification.

Literature cited by the submitters: PubMed 16116617 (cited by Labcorp Genetics (formerly Invitae), Labcorp); PubMed 23621129 (cited by Labcorp Genetics (formerly Invitae), Labcorp); PubMed 31046801 (cited by Labcorp Genetics (formerly Invitae), Labcorp); PubMed 19131948 (cited by 3 submitters); PubMed 23083690 (cited by Labcorp Genetics (formerly Invitae), Labcorp and Women's Health and Genetics/Laboratory Corporation of America, LabCorp); PubMed 31168818 (cited by Labcorp Genetics (formerly Invitae), Labcorp); PubMed 33435499 (cited by Women's Health and Genetics/Laboratory Corporation of America, LabCorp).

NM_001139.3(ALOX12B):c.1272dup (p.Lys425fs)

Gene: ALOX12B (arachidonate 12-lipoxygenase, 12R type; minus strand). Cytogenetic location: 17p13.1.
Variant type: Duplication.
Coding change: c.1272dup on transcript NM_001139.3 (MANE Select); coding-DNA position 1272, one base duplicated (C; older notation c.1272dupC).
Protein change: p.Lys425fs; shifts the reading frame from lysine 425.
Molecular consequence: frameshift variant.
Genome position (GRCh38, 1-based): chr17:8,076,993, G duplicated on the plus strand (C on the coding strand, the reverse complement: ALOX12B is on the minus strand). VCF-style (leftmost placement, unchanged base first): chr17-8076992-T-TG. GRCh37 (hg19) VCF-style: chr17-7980310-T-TG.
Other names: c.1272dupC (NM_001139.2); short protein forms K425fs.
Identifiers: ClinVar variation 982978 (VCV000982978.15), dbSNP rs763328506, ClinGen allele CA8367364.